The following is an entry in ClinVar:

NM_015627.3(LDLRAP1):c.538G>C (p.Glu180Gln)

Gene: LDLRAP1 (low density lipoprotein receptor adaptor protein 1; plus strand). Cytogenetic location: 1p36.11.
Variant type: single nucleotide variant.
Coding change: c.538G>C on transcript NM_015627.3 (MANE Select); coding-DNA position 538, G replaced by C.
Protein change: p.Glu180Gln; replaces glutamic acid 180 with glutamine.
Molecular consequence: missense variant.
Genome position (GRCh38, 1-based): chr1:25,563,075, G>C. VCF-style: chr1-25563075-G-C. GRCh37 (hg19) VCF-style: chr1-25889566-G-C.
Other names: short protein forms E180Q.
Identifiers: ClinVar variation 4859181 (VCV004859181.1).
Genomic context (GRCh38, chr1:25,563,075, plus strand): 5'-TGGGGACAGAGTGCTGGGGTCTGAGGCTCCAACATGTTGTGCCTTGGTCCTGCAGAGAAA[G>C]AGAAGAGGGACAAAGCCAGCCAAGAGGGAGGGGACGTCCTGGGGGCCCGCCAAGACTGCA-3'
Protein context (NP_056442.2, residues 170-190): EFWQVSKEEK[Glu180Gln]KRDKASQEGG

ClinVar aggregate classification (germline): Uncertain significance (1 of 4 stars; one submission).

Conditions:
Cardiovascular phenotype. Identifiers: MedGen CN230736.

Submission:

Ambry Genetics
Classification: Uncertain significance for Cardiovascular phenotype. Last evaluated: 2026-03-23. Review status: criteria provided, single submitter. Criteria: Ambry Variant Classification Scheme 2023. Collection method: clinical testing. Allele origin: germline.
Comment: The p.E180Q variant (also known as c.538G>C), located in coding exon 6 of the LDLRAP1 gene, results from a G to C substitution at nucleotide position 538. The glutamic acid at codon 180 is replaced by glutamine, an amino acid with highly similar properties. This amino acid position is conserved. In addition, this alteration is predicted to be tolerated by in silico analysis. Based on the available evidence, the clinical significance of this variant remains unclear.